The following is an entry in ClinVar:

NM_017760.7(NCAPG2):c.2856C>G (p.Asp952Glu)

Gene: NCAPG2 (non-SMC condensin II complex subunit G2; minus strand). Cytogenetic location: 7q36.3.
Variant type: single nucleotide variant.
Coding change: c.2856C>G on transcript NM_017760.7 (MANE Select); coding-DNA position 2856, C replaced by G.
Protein change: p.Asp952Glu; replaces aspartic acid 952 with glutamic acid.
Molecular consequence: missense variant. On other transcripts: non-coding transcript variant (1).
Genome position (GRCh38, 1-based): chr7:158,652,371, G>C on the plus strand (C>G on the coding strand, the complement: NCAPG2 is on the minus strand). VCF-style: chr7-158652371-G-C. GRCh37 (hg19) VCF-style: chr7-158445063-G-C.
Other names: c.2856C>G, p.Asp952Glu (NM_001281932.2, NM_001281933.2); short protein forms D952E.
Identifiers: ClinVar variation 713227 (VCV000713227.5), dbSNP rs80143472, ClinGen allele CA4592438.
Genomic context (GRCh38, chr7:158,652,371, plus strand): 5'-CTGCTTCCTGAAGCTCCGTGCAATACATTCCAACATTTTCTGAAATACTTTCTGGACTGT[G>C]TCCAACAGCATTGCAACTTCTTCATCTGAATCTGTTTTCTGAATCAAGGAACTTCCAGTT-3'
Protein context (NP_060230.5, residues 942-962): DSDEEVAMLL[Asp952Glu]TVQKVFQKML

ClinVar aggregate classification (germline): Benign. Review status: criteria provided, single submitter (1 of 4 stars). 2 submissions from 2 submitters: Benign (1). 1 of the submissions does not count toward it. Last evaluated 2018-09-19.

Conditions:
NCAPG2-related disorder. Also called: NCAPG2-related condition.

Allele frequency attached by ClinVar (database versions not stated): ESP Exome Variant Server 0.00017; gnomAD exomes 0.00282 and 0.00927; gnomAD 0.00341 and 0.00460; TOPMed 0.00614; ExAC 0.00884; 1000 Genomes Project 30x 0.02046; 1000 Genomes Project 0.02157.
gnomAD v4.1: 4,949 of 1,613,948 alleles (0.31%); highest among the groups gnomAD compares: East Asian, 9.6%; 240 homozygotes.

Submissions (2):

Labcorp Genetics (formerly Invitae), Labcorp
Classification: Benign. Last evaluated: 2018-09-19. Review status: criteria provided, single submitter. Criteria: Invitae Variant Classification Sherloc (09022015). Collection method: clinical testing. Allele origin: germline.

PreventionGenetics, part of Exact Sciences
Classification: Benign for NCAPG2-related condition. Last evaluated: 2019-06-25. Review status: no assertion criteria provided. Collection method: clinical testing. Allele origin: germline. Not counted in ClinVar's aggregate classification.
Comment: This variant is classified as benign based on ACMG/AMP sequence variant interpretation guidelines (Richards et al. 2015 PMID: 25741868, with internal and published modifications).